The following is an entry in ClinVar:

ClinVar aggregate classification (germline): Uncertain significance (1 of 4 stars; one submission).

gnomAD v4.1: 3 of 1,614,122 alleles (0.00019%); highest among the groups gnomAD compares: Non-Finnish European, 0.00017%; no homozygotes.

Submission:

Labcorp Genetics (formerly Invitae), Labcorp
Classification: Uncertain significance. Last evaluated: 2022-07-25. Review status: criteria provided, single submitter. Criteria: Invitae Variant Classification Sherloc (09022015). Collection method: clinical testing. Allele origin: germline.
Comment: In summary, the available evidence is currently insufficient to determine the role of this variant in disease. Therefore, it has been classified as a Variant of Uncertain Significance. Algorithms developed to predict the effect of missense changes on protein structure and function (SIFT, PolyPhen-2, Align-GVGD) all suggest that this variant is likely to be tolerated. This variant has not been reported in the literature in individuals affected with NEUROD1-related conditions. This variant is not present in population databases (gnomAD no frequency). This sequence change replaces lysine, which is basic and polar, with arginine, which is basic and polar, at codon 243 of the NEUROD1 protein (p.Lys243Arg).

NM_002500.5(NEUROD1):c.728A>G (p.Lys243Arg)

Gene: NEUROD1 (neuronal differentiation 1; minus strand). Cytogenetic location: 2q31.3.
Variant type: single nucleotide variant.
Coding change: c.728A>G on transcript NM_002500.5 (MANE Select); coding-DNA position 728, A replaced by G.
Protein change: p.Lys243Arg; replaces lysine 243 with arginine.
Molecular consequence: missense variant.
Genome position (GRCh38, 1-based): chr2:181,678,133, T>C on the plus strand (A>G on the coding strand, the complement: NEUROD1 is on the minus strand). VCF-style: chr2-181678133-T-C. GRCh37 (hg19) VCF-style: chr2-182542860-T-C.
Other names: short protein forms K243R.
Identifiers: ClinVar variation 1713766 (VCV001713766.5), dbSNP rs980514566, ClinGen allele CA62111419.